The following is an entry in ClinVar:

ClinVar aggregate classification (germline): Uncertain significance. Review status: criteria provided, multiple submitters, no conflicts (2 of 4 stars). 3 submissions from 3 submitters: Uncertain significance (3). Last evaluated 2026-01-18.

Allele frequency attached by ClinVar (database versions not stated): ExAC 0.00003; gnomAD exomes 0.00004 and 0.00020; gnomAD 0.00006; TOPMed 0.00006; ESP Exome Variant Server 0.00008.
gnomAD v4.1: 288 of 1,608,356 alleles (0.018%); highest among the groups gnomAD compares: Non-Finnish European, 0.024%; no homozygotes.

Submissions (3):

Labcorp Genetics (formerly Invitae), Labcorp
Classification: Uncertain significance. Last evaluated: 2026-01-18. Review status: criteria provided, single submitter. Criteria: Invitae Variant Classification Sherloc (09022015). Collection method: clinical testing. Allele origin: germline.
Comment: This sequence change replaces proline, which is neutral and non-polar, with serine, which is neutral and polar, at codon 770 of the RIMS1 protein (p.Pro770Ser). This variant is present in population databases (rs368179729, gnomAD 0.01%). This variant has not been reported in the literature in individuals affected with RIMS1-related conditions. ClinVar contains an entry for this variant (Variation ID: 967626). An algorithm developed to predict the effect of missense changes on protein structure and function (PolyPhen-2) suggests that this variant is likely to be disruptive. In summary, the available evidence is currently insufficient to determine the role of this variant in disease. Therefore, it has been classified as a Variant of Uncertain Significance.

Ambry Genetics
Classification: Uncertain significance. Last evaluated: 2025-08-09. Review status: criteria provided, single submitter. Criteria: Ambry Variant Classification Scheme 2023. Collection method: clinical testing. Allele origin: germline.

Blueprint Genetics
Classification: Uncertain significance. Last evaluated: 2022-09-14. Review status: criteria provided, single submitter. Criteria: ACMG Guidelines, 2015. Collection method: clinical testing. Allele origin: germline.

NM_014989.7(RIMS1):c.2308C>T (p.Pro770Ser)

Gene: RIMS1 (regulating synaptic membrane exocytosis 1; plus strand). Cytogenetic location: 6q13.
Variant type: single nucleotide variant.
Coding change: c.2308C>T on transcript NM_014989.7 (MANE Select); coding-DNA position 2308, C replaced by T.
Protein change: p.Pro770Ser; replaces proline 770 with serine.
Molecular consequence: missense variant.
Genome position (GRCh38, 1-based): chr6:72,250,396, C>T. VCF-style: chr6-72250396-C-T. GRCh37 (hg19) VCF-style: chr6-72960099-C-T.
Other names: c.730C>T, p.Pro244Ser (NM_001168407.2, NM_001168408.2, NM_001350414.2 and 37 more transcripts); c.487C>T, p.Pro163Ser (NM_001168409.2, NM_001350461.2, NM_001350463.2 and 6 more transcripts); c.685C>T, p.Pro229Ser (NM_001168410.2, NM_001350474.2, NM_001350470.2 and 2 more transcripts); c.661C>T, p.Pro221Ser (NM_001350421.2, NM_001350437.2, NM_001350459.2 and 6 more transcripts); c.2308C>T (NM_014989.4); short protein forms P163S, P770S, P229S, P221S, P244S.
Identifiers: ClinVar variation 967626 (VCV000967626.12), dbSNP rs368179729, ClinGen allele CA3885947.